The following is an entry in ClinVar:

NM_002485.5(NBN):c.2235-13T>C

Gene: NBN (nibrin; minus strand). Cytogenetic location: 8q21.3.
Variant type: single nucleotide variant.
Coding change: c.2235-13T>C on transcript NM_002485.5 (MANE Select); 13 bases into the intron before coding-DNA position 2235, T replaced by C.
Molecular consequence: intron variant.
Genome position (GRCh38, 1-based): chr8:89,935,625, A>G on the plus strand (T>C on the coding strand, the complement: NBN is on the minus strand). VCF-style: chr8-89935625-A-G. GRCh37 (hg19) VCF-style: chr8-90947853-A-G.
Other names: c.1989-13T>C (NM_001024688.3).
Identifiers: ClinVar variation 1692683 (VCV001692683.1), dbSNP rs2130735823, ClinGen allele CA2573143321.

ClinVar aggregate classification (germline): Uncertain significance (1 of 4 stars; one submission).

Conditions:
Hereditary cancer-predisposing syndrome. Also called: Hereditary Cancer Syndrome; Hereditary neoplastic syndrome; Neoplastic Syndromes, Hereditary; Tumor predisposition. Identifiers: Orphanet 140162, MedGen C0027672, MeSH D009386, MONDO:0015356.

Submission:

Sema4
Classification: Uncertain significance for Hereditary cancer-predisposing syndrome. Last evaluated: 2021-08-07. Review status: criteria provided, single submitter. Criteria: Sema4 Curation Guidelines. Collection method: curation. Allele origin: germline.
Comment: The NBN c.2235-13T>C variant has not been reported in the literature to our knowledge. It was not observed in the large and broad cohorts of the Genome Aggregation Database (PMID: 32461654). The variant has not been reported in ClinVar. In silico tools suggest that the variant does not have an impact on splicing, though these predictions have not been confirmed by functional studies. The evidence is insufficient to meet ACMG/AMP criteria for classifying the variant as benign or pathogenic. Thus, the clinical significance of this variant is currently uncertain.